The following is an entry in ClinVar:

ClinVar aggregate classification (germline): Uncertain significance (1 of 4 stars; one submission).

Submission:

Labcorp Genetics (formerly Invitae), Labcorp
Classification: Uncertain significance. Last evaluated: 2025-10-01. Review status: criteria provided, single submitter. Criteria: Invitae Variant Classification Sherloc (09022015). Collection method: clinical testing. Allele origin: germline.
Comment: This sequence change replaces proline, which is neutral and non-polar, with leucine, which is neutral and non-polar, at codon 117 of the SERPING1 protein (p.Pro117Leu). This variant is not present in population databases (gnomAD no frequency). This variant has not been reported in the literature in individuals affected with SERPING1-related conditions. An algorithm developed to predict the effect of missense changes on protein structure and function outputs the following: PolyPhen-2: "Possibly Damaging". The leucine amino acid residue is found in multiple mammalian species, which suggests that this missense change does not adversely affect protein function. In summary, the available evidence is currently insufficient to determine the role of this variant in disease. Therefore, it has been classified as a Variant of Uncertain Significance.

NM_000062.3(SERPING1):c.350C>T (p.Pro117Leu)

Gene: SERPING1 (serpin family G member 1; plus strand). Cytogenetic location: 11q12.1.
Variant type: single nucleotide variant.
Coding change: c.350C>T on transcript NM_000062.3 (MANE Select); coding-DNA position 350, C replaced by T.
Protein change: p.Pro117Leu; replaces proline 117 with leucine.
Molecular consequence: missense variant.
Genome position (GRCh38, 1-based): chr11:57,600,177, C>T. VCF-style: chr11-57600177-C-T. GRCh37 (hg19) VCF-style: chr11-57367650-C-T.
Other names: c.350C>T, p.Pro117Leu (NM_001032295.2); short protein forms P117L.
Identifiers: ClinVar variation 4718328 (VCV004718328.1).
Genomic context (GRCh38, chr11:57,600,177, plus strand): 5'-AACCCACCATCCAACCCACCCAACCAACTACCCAGCTCCCAACAGATTCTCCTACCCAGC[C>T]CACTACTGGGTCCTTCTGCCCAGGACCTGTTACTCTCTGCTCTGACTTGGAGAGTCATTC-3'
Protein context (NP_000053.2, residues 107-127): TQLPTDSPTQ[Pro117Leu]TTGSFCPGPV